The following is an entry in ClinVar:

ClinVar aggregate classification (germline): Uncertain significance (1 of 4 stars; one submission).

Conditions:
Long QT syndrome (LQTS). Identifiers: MedGen C0023976, MeSH D008133, MONDO:0002442. Disease mechanism: loss of function. Inheritance: Various modes of inheritance.

Submission:

Labcorp Genetics (formerly Invitae), Labcorp
Classification: Uncertain significance for Long QT syndrome. Last evaluated: 2025-08-18. Review status: criteria provided, single submitter. Criteria: Invitae Variant Classification Sherloc (09022015). Collection method: clinical testing. Allele origin: germline.
Comment: This sequence change replaces glutamic acid, which is acidic and polar, with glycine, which is neutral and non-polar, at codon 954 of the AKAP9 protein (p.Glu954Gly). This variant is not present in population databases (gnomAD no frequency). This variant has not been reported in the literature in individuals affected with AKAP9-related conditions. ClinVar contains an entry for this variant (Variation ID: 2955512). An algorithm developed to predict the effect of missense changes on protein structure and function (PolyPhen-2) suggests that this variant is likely to be disruptive. In summary, the available evidence is currently insufficient to determine the role of this variant in disease. Therefore, it has been classified as a Variant of Uncertain Significance.

NM_005751.5(AKAP9):c.2861A>G (p.Glu954Gly)

Gene: AKAP9 (A-kinase anchoring protein 9; plus strand). Cytogenetic location: 7q21.2.
Variant type: single nucleotide variant.
Coding change: c.2861A>G on transcript NM_005751.5 (MANE Select); coding-DNA position 2861, A replaced by G.
Protein change: p.Glu954Gly; replaces glutamic acid 954 with glycine.
Molecular consequence: missense variant.
Genome position (GRCh38, 1-based): chr7:92,002,778, A>G. VCF-style: chr7-92002778-A-G. GRCh37 (hg19) VCF-style: chr7-91632092-A-G.
Other names: c.2861A>G, p.Glu954Gly (NM_147185.3); short protein forms E954G.
Identifiers: ClinVar variation 2955512 (VCV002955512.3), dbSNP rs2484695303, ClinGen allele CA368125094.
Genomic context (GRCh38, chr7:92,002,778, plus strand): 5'-TTGAAAAGGATACAACAGAACTCATGGAAAAACTTGAGGTAACCAAGCGAGAGAAATTAG[A>G]GCTGTCACAGAGACTGTCTGATCTTTCTGAACAATTGAAACAGAAACATGGTGAGATTAG-3'
Protein context (NP_005742.4, residues 944-964): KLEVTKREKL[Glu954Gly]LSQRLSDLSE